The following is an entry in ClinVar:

NM_001330691.3(CEP78):c.1586A>C (p.Gln529Pro)

Gene: CEP78 (centrosomal protein 78; plus strand). Cytogenetic location: 9q21.2.
Variant type: single nucleotide variant.
Coding change: c.1586A>C on transcript NM_001330691.3 (MANE Select); coding-DNA position 1586, A replaced by C.
Protein change: p.Gln529Pro; replaces glutamine 529 with proline.
Molecular consequence: missense variant.
Genome position (GRCh38, 1-based): chr9:78,264,277, A>C. VCF-style: chr9-78264277-A-C. GRCh37 (hg19) VCF-style: chr9-80879193-A-C.
Other names: c.1589A>C, p.Gln530Pro (NM_001098802.3, NM_001349839.2, NM_001349840.2 and 1 more transcripts); c.1586A>C, p.Gln529Pro (NM_001330693.3, NM_001330694.2, NM_001349838.2); short protein forms Q529P, Q530P.
Identifiers: ClinVar variation 967101 (VCV000967101.7), dbSNP rs1191741262, ClinGen allele CA373864567.

ClinVar aggregate classification (germline): Uncertain significance (1 of 4 stars; one submission).

Allele frequency attached by ClinVar (database versions not stated): gnomAD exomes below 0.00001; TOPMed below 0.00001; gnomAD 0.00002.
gnomAD v4.1: 4 of 1,613,114 alleles (0.00025%); highest among the groups gnomAD compares: African/African-American, 0.0053%; 1 homozygote.

Submission:

Labcorp Genetics (formerly Invitae), Labcorp
Classification: Uncertain significance. Last evaluated: 2024-09-06. Review status: criteria provided, single submitter. Criteria: Invitae Variant Classification Sherloc (09022015). Collection method: clinical testing. Allele origin: germline.
Comment: This sequence change replaces glutamine, which is neutral and polar, with proline, which is neutral and non-polar, at codon 530 of the CEP78 protein (p.Gln530Pro). This variant is not present in population databases (gnomAD no frequency). This variant has not been reported in the literature in individuals affected with CEP78-related conditions. ClinVar contains an entry for this variant (Variation ID: 967101). Invitae Evidence Modeling of protein sequence and biophysical properties (such as structural, functional, and spatial information, amino acid conservation, physicochemical variation, residue mobility, and thermodynamic stability) has been performed for this missense variant. However, the output from this modeling did not meet the statistical confidence thresholds required to predict the impact of this variant on CEP78 protein function. In summary, the available evidence is currently insufficient to determine the role of this variant in disease. Therefore, it has been classified as a Variant of Uncertain Significance.